The following is an entry in ClinVar:

ClinVar aggregate classification (germline): Uncertain significance. Review status: criteria provided, multiple submitters, no conflicts (2 of 4 stars). 4 submissions from 4 submitters: Uncertain significance (4). Last evaluated 2024-11-18.

Conditions:
FREM2-related disorder. Also called: FREM2-related condition.
Isolated cryptophthalmia. Also called: ANKYLOBLEPHARON, SIMPLE; Cryptophthalmos, unilateral or bilateral, isolated. Identifiers: Orphanet 91396, MedGen C1852453, MONDO:0007410, OMIM 123570.
Fraser syndrome 2 (FRASRS2). Identifiers: MedGen C4540036, MONDO:0054738, OMIM 617666.

Allele frequency attached by ClinVar (database versions not stated): ExAC 0.00002; gnomAD 0.00003 and 0.00004; gnomAD exomes 0.00003; TOPMed 0.00004.
gnomAD v4.1: 44 of 1,612,000 alleles (0.0027%); highest among the groups gnomAD compares: Non-Finnish European, 0.0036%; no homozygotes.

Submissions (4):

PreventionGenetics, part of Exact Sciences
Classification: Uncertain significance for FREM2-related condition. Last evaluated: 2024-11-18. Review status: criteria provided, single submitter. Criteria: ACMG Guidelines, 2015. Collection method: clinical testing. Allele origin: germline.
Comment: The FREM2 c.5276T>C variant is predicted to result in the amino acid substitution p.Leu1759Ser. To our knowledge, this variant has not been reported in the literature. This variant is reported in 0.0062% of alleles in individuals of European (non-Finnish) descent in gnomAD. At this time, the clinical significance of this variant is uncertain due to the absence of conclusive functional and genetic evidence.

Labcorp Genetics (formerly Invitae), Labcorp
Classification: Uncertain significance. Last evaluated: 2022-10-17. Review status: criteria provided, single submitter. Criteria: Invitae Variant Classification Sherloc (09022015). Collection method: clinical testing. Allele origin: germline.
Comment: This sequence change replaces leucine, which is neutral and non-polar, with serine, which is neutral and polar, at codon 1759 of the FREM2 protein (p.Leu1759Ser). This variant is present in population databases (rs750450348, gnomAD 0.007%). This variant has not been reported in the literature in individuals affected with FREM2-related conditions. ClinVar contains an entry for this variant (Variation ID: 196606). Advanced modeling of protein sequence and biophysical properties (such as structural, functional, and spatial information, amino acid conservation, physicochemical variation, residue mobility, and thermodynamic stability) performed at Invitae indicates that this missense variant is not expected to disrupt FREM2 protein function. In summary, the available evidence is currently insufficient to determine the role of this variant in disease. Therefore, it has been classified as a Variant of Uncertain Significance.

Fulgent Genetics
Classification: Uncertain significance for Isolated cryptophthalmia; Fraser syndrome 2. Last evaluated: 2021-09-11. Review status: criteria provided, single submitter. Criteria: ACMG Guidelines, 2015. Collection method: clinical testing. Allele origin: unknown.

Eurofins Ntd Llc (ga)
Classification: Uncertain significance. Last evaluated: 2014-11-18. Review status: criteria provided, single submitter. Criteria: EGL Classification Definitions 2015. Collection method: clinical testing. Allele origin: germline. Observed: 1 variant allele, 1 heterozygote.

NM_207361.6(FREM2):c.5276T>C (p.Leu1759Ser)

Gene: FREM2 (FRAS1 related extracellular matrix 2; plus strand). Cytogenetic location: 13q13.3.
Variant type: single nucleotide variant.
Coding change: c.5276T>C on transcript NM_207361.6 (MANE Select); coding-DNA position 5276, T replaced by C.
Protein change: p.Leu1759Ser; replaces leucine 1759 with serine.
Molecular consequence: missense variant.
Genome position (GRCh38, 1-based): chr13:38,764,316, T>C. VCF-style: chr13-38764316-T-C. GRCh37 (hg19) VCF-style: chr13-39338453-T-C.
Other names: c.5276T>C (NM_207361.5); short protein forms L1759S.
Identifiers: ClinVar variation 196606 (VCV000196606.11), dbSNP rs750450348, ClinGen allele CA243617.